The following is an entry in ClinVar:

NM_212482.4(FN1):c.1418A>G (p.Asn473Ser)

Gene: FN1 (fibronectin 1; minus strand). Cytogenetic location: 2q35.
Variant type: single nucleotide variant.
Coding change: c.1418A>G on transcript NM_212482.4 (MANE Select); coding-DNA position 1418, A replaced by G.
Protein change: p.Asn473Ser; replaces asparagine 473 with serine.
Molecular consequence: missense variant.
Genome position (GRCh38, 1-based): chr2:215,422,219, T>C on the plus strand (A>G on the coding strand, the complement: FN1 is on the minus strand). VCF-style: chr2-215422219-T-C. GRCh37 (hg19) VCF-style: chr2-216286942-T-C.
Other names: c.1418A>G, p.Asn473Ser (NM_001306129.2, NM_001306130.2, NM_001306131.2 and 14 more transcripts); short protein forms N473S.
Identifiers: ClinVar variation 2001813 (VCV002001813.4), dbSNP rs1490153982, ClinGen allele CA350469456.

ClinVar aggregate classification (germline): Uncertain significance (1 of 4 stars; one submission).

Allele frequency attached by ClinVar (database versions not stated): gnomAD exomes below 0.00001; TOPMed below 0.00001.
gnomAD v4.1: 1 of 1,614,118 alleles (0.000062%); highest among the groups gnomAD compares: East Asian, 0.0022%; no homozygotes.

Submission:

Labcorp Genetics (formerly Invitae), Labcorp
Classification: Uncertain significance. Last evaluated: 2022-06-01. Review status: criteria provided, single submitter. Criteria: Invitae Variant Classification Sherloc (09022015). Collection method: clinical testing. Allele origin: germline.
Comment: Algorithms developed to predict the effect of missense changes on protein structure and function output the following: SIFT: "Not Available"; PolyPhen-2: "Benign"; Align-GVGD: "Not Available". The serine amino acid residue is found in multiple mammalian species, which suggests that this missense change does not adversely affect protein function. This variant has not been reported in the literature in individuals affected with FN1-related conditions. This variant is not present in population databases (gnomAD no frequency). This sequence change replaces asparagine, which is neutral and polar, with serine, which is neutral and polar, at codon 473 of the FN1 protein (p.Asn473Ser). In summary, the available evidence is currently insufficient to determine the role of this variant in disease. Therefore, it has been classified as a Variant of Uncertain Significance.